The following is an entry in ClinVar:

NM_181426.2(CCDC39):c.1368T>G (p.Phe456Leu)

Gene: CCDC39 (coiled-coil domain 39 molecular ruler complex subunit; minus strand). Cytogenetic location: 3q26.33.
Variant type: single nucleotide variant.
Coding change: c.1368T>G on transcript NM_181426.2 (MANE Select); coding-DNA position 1368, T replaced by G.
Protein change: p.Phe456Leu; replaces phenylalanine 456 with leucine.
Molecular consequence: missense variant.
Genome position (GRCh38, 1-based): chr3:180,647,238, A>C on the plus strand (T>G on the coding strand, the complement: CCDC39 is on the minus strand). VCF-style: chr3-180647238-A-C. GRCh37 (hg19) VCF-style: chr3-180365026-A-C.
Other names: short protein forms F456L.
Identifiers: ClinVar variation 3486689 (VCV003486689.1).

ClinVar aggregate classification (germline): Uncertain significance (1 of 4 stars; one submission).

Conditions:
Primary ciliary dyskinesia. Also called: Ciliary dyskinesia. Identifiers: Orphanet 244, MedGen C0008780, MONDO:0016575, HP:0012265.

Submission:

Ambry Genetics
Classification: Uncertain significance for Primary ciliary dyskinesia. Last evaluated: 2024-08-07. Review status: criteria provided, single submitter. Criteria: Ambry Variant Classification Scheme 2023. Collection method: clinical testing. Allele origin: germline.
Comment: The p.F456L variant (also known as c.1368T>G), located in coding exon 11 of the CCDC39 gene, results from a T to G substitution at nucleotide position 1368. The phenylalanine at codon 456 is replaced by leucine, an amino acid with highly similar properties. This amino acid position is conserved. In addition, the in silico prediction for this alteration is inconclusive. Based on the available evidence, the clinical significance of this variant remains unclear.